The following is an entry in ClinVar:

ClinVar aggregate classification (germline): Uncertain significance (1 of 4 stars; one submission).

Conditions:
Gorlin syndrome. Also called: Nevoid Basal Cell Carcinoma Syndrome; Basal cell nevus syndrome. Identifiers: Orphanet 377, MedGen C0004779, MONDO:0007187.

Allele frequency attached by ClinVar (database versions not stated): gnomAD exomes 0.00001 and 0.00005; ExAC 0.00006.
gnomAD v4.1: 13 of 1,613,824 alleles (0.00081%); highest among the groups gnomAD compares: East Asian, 0.027%; no homozygotes.

Submission:

Labcorp Genetics (formerly Invitae), Labcorp
Classification: Uncertain significance for Gorlin syndrome. Last evaluated: 2025-07-30. Review status: criteria provided, single submitter. Criteria: Invitae Variant Classification Sherloc (09022015). Collection method: clinical testing. Allele origin: germline.
Comment: This sequence change replaces proline, which is neutral and non-polar, with threonine, which is neutral and polar, at codon 590 of the PTCH2 protein (p.Pro590Thr). This variant is present in population databases (rs776592479, gnomAD 0.06%), and has an allele count higher than expected for a pathogenic variant. This variant has not been reported in the literature in individuals affected with PTCH2-related conditions. ClinVar contains an entry for this variant (Variation ID: 966694). Invitae Evidence Modeling of protein sequence and biophysical properties (such as structural, functional, and spatial information, amino acid conservation, physicochemical variation, residue mobility, and thermodynamic stability) indicates that this missense variant is not expected to disrupt PTCH2 protein function with a negative predictive value of 80%. Algorithms developed to predict the effect of sequence changes on RNA splicing suggest that this variant may create or strengthen a splice site. In summary, the available evidence is currently insufficient to determine the role of this variant in disease. Therefore, it has been classified as a Variant of Uncertain Significance.

NM_003738.5(PTCH2):c.1768C>A (p.Pro590Thr)

Gene: PTCH2 (patched 2; minus strand). Cytogenetic location: 1p34.1.
Variant type: single nucleotide variant.
Coding change: c.1768C>A on transcript NM_003738.5 (MANE Select); coding-DNA position 1768, C replaced by A.
Protein change: p.Pro590Thr; replaces proline 590 with threonine.
Molecular consequence: missense variant.
Genome position (GRCh38, 1-based): chr1:44,828,133, G>T on the plus strand (C>A on the coding strand, the complement: PTCH2 is on the minus strand). VCF-style: chr1-44828133-G-T. GRCh37 (hg19) VCF-style: chr1-45293805-G-T.
Other names: c.1768C>A, p.Pro590Thr (NM_001166292.2); short protein forms P590T.
Identifiers: ClinVar variation 966694 (VCV000966694.10), dbSNP rs776592479, ClinGen allele CA823167.
Genomic context (GRCh38, chr1:44,828,133, plus strand): 5'-TGCTGGCTTCACAGTGGGTAAAGGCTTGAACTGTGGCAGTGAGGTGGGCAATGCCCACTG[G>T]TACTGTCCCGTCCCCCAGCTCCTGGGGCAGGATCTGAATCACCTGAGCAGAGCAGGGACT-3'
Protein context (NP_003729.3, residues 580-600): LPQELGDGTV[Pro590Thr]VGIAHLTATV